The following is an entry in ClinVar:

NM_001271938.2(MEGF8):c.4714G>A (p.Ala1572Thr)

Gene: MEGF8 (multiple EGF like domains 8; plus strand). Cytogenetic location: 19q13.2.
Variant type: single nucleotide variant.
Coding change: c.4714G>A on transcript NM_001271938.2 (MANE Select); coding-DNA position 4714, G replaced by A.
Protein change: p.Ala1572Thr; replaces alanine 1572 with threonine.
Molecular consequence: missense variant.
Genome position (GRCh38, 1-based): chr19:42,356,865, G>A. VCF-style: chr19-42356865-G-A. GRCh37 (hg19) VCF-style: chr19-42861017-G-A.
Other names: c.4513G>A, p.Ala1505Thr (NM_001410.3); short protein forms A1505T, A1572T.
Identifiers: ClinVar variation 649987 (VCV000649987.6), dbSNP rs777483950, ClinGen allele CA9475349.

ClinVar aggregate classification (germline): Uncertain significance. Review status: criteria provided, multiple submitters, no conflicts (2 of 4 stars). 3 submissions from 3 submitters: Uncertain significance (2). 1 of the submissions does not count toward it. Last evaluated 2024-05-08.

Conditions:
MEGF8-related disorder. Also called: MEGF8-related condition.
Inborn genetic diseases. Identifiers: MedGen C0950123, MeSH D030342.
MEGF8-related Carpenter syndrome. Also called: Carpenter syndrome 2. Identifiers: Orphanet 65759, MedGen C3554247, MONDO:0013998, OMIM 614976.

Allele frequency attached by ClinVar (database versions not stated): gnomAD exomes 0.00001; ExAC 0.00005; gnomAD 0.00005 and 0.00006; TOPMed 0.00005.
gnomAD v4.1: 25 of 1,590,390 alleles (0.0016%); highest among the groups gnomAD compares: African/African-American, 0.015%; no homozygotes.

Submissions (3):

Ambry Genetics
Classification: Uncertain significance for Inborn genetic diseases. Last evaluated: 2024-05-08. Review status: criteria provided, single submitter. Criteria: Ambry Variant Classification Scheme 2023. Collection method: clinical testing. Allele origin: germline.

Labcorp Genetics (formerly Invitae), Labcorp
Classification: Uncertain significance for MEGF8-related Carpenter syndrome. Last evaluated: 2021-08-27. Review status: criteria provided, single submitter. Criteria: Invitae Variant Classification Sherloc (09022015). Collection method: clinical testing. Allele origin: germline.

PreventionGenetics, part of Exact Sciences
Classification: Uncertain significance for MEGF8-related condition. Last evaluated: 2024-09-27. Review status: no assertion criteria provided. Collection method: clinical testing. Allele origin: germline. Not counted in ClinVar's aggregate classification.
Comment: The MEGF8 c.4513G>A variant is predicted to result in the amino acid substitution p.Ala1505Thr. To our knowledge, this variant has not been reported in the literature. This variant is reported in 0.031% of alleles in individuals of African descent in gnomAD. At this time, the clinical significance of this variant is uncertain due to the absence of conclusive functional and genetic evidence.